The following is an entry in ClinVar:

ClinVar aggregate classification (germline): Likely benign. Review status: criteria provided, single submitter (1 of 4 stars). 3 submissions from 3 submitters: Likely benign (1). 2 of the submissions do not count toward it. Last evaluated 2024-06-16.

Conditions:
AIRE-related disorder. Also called: AIRE-related condition.
Polyglandular autoimmune syndrome, type 1 (APS1). Also called: Autoimmune polyendocrine syndrome type 1; APS I; Autoimmune polyendocrinopathy syndrome , type I, with or without reversible metaphyseal dysplasia; PGA I; HYPOADRENOCORTICISM WITH HYPOPARATHYROIDISM AND SUPERFICIAL MONILIASIS; Whitaker syndrome. Identifiers: Orphanet 3453, MedGen C0085859, MONDO:0009411, OMIM 240300.

Allele frequency attached by ClinVar (database versions not stated): gnomAD exomes below 0.00001 and 0.00002; ExAC 0.00003; gnomAD 0.00003; TOPMed 0.00004; ESP Exome Variant Server 0.00015.
gnomAD v4.1: 9 of 1,612,222 alleles (0.00056%); highest among the groups gnomAD compares: African/African-American, 0.0053%; no homozygotes.

Submissions (3):

Labcorp Genetics (formerly Invitae), Labcorp
Classification: Likely benign for Polyglandular autoimmune syndrome, type 1. Last evaluated: 2024-06-16. Review status: criteria provided, single submitter. Criteria: Invitae Variant Classification Sherloc (09022015). Collection method: clinical testing. Allele origin: germline.

PreventionGenetics, part of Exact Sciences
Classification: Likely benign for AIRE-related condition. Last evaluated: 2020-05-29. Review status: no assertion criteria provided. Collection method: clinical testing. Allele origin: germline. Not counted in ClinVar's aggregate classification.
Comment: This variant is classified as likely benign based on ACMG/AMP sequence variant interpretation guidelines (Richards et al. 2015 PMID: 25741868, with internal and published modifications).

Natera, Inc.
Classification: Uncertain significance for Polyglandular autoimmune syndrome type 1. Last evaluated: 2020-03-20. Review status: no assertion criteria provided. Collection method: clinical testing. Allele origin: germline. Not counted in ClinVar's aggregate classification.

NM_000383.4(AIRE):c.1620G>A (p.Ala540=)

Gene: AIRE (autoimmune regulator; plus strand). Cytogenetic location: 21q22.3.
Variant type: single nucleotide variant.
Coding change: c.1620G>A on transcript NM_000383.4 (MANE Select); coding-DNA position 1620, G replaced by A.
Protein change: p.Ala540=; no amino-acid change (alanine 540 retained).
Molecular consequence: synonymous variant.
Genome position (GRCh38, 1-based): chr21:44,297,709, G>A. VCF-style: chr21-44297709-G-A. GRCh37 (hg19) VCF-style: chr21-45717592-G-A.
Other names: c.1620G>A (NM_000383.3).
Identifiers: ClinVar variation 1064282 (VCV001064282.14), dbSNP rs372219460, ClinGen allele CA10052231.